The following is an entry in ClinVar:

NM_006231.4(POLE):c.4374G>T (p.Trp1458Cys)

Gene: POLE (DNA polymerase epsilon, catalytic subunit; minus strand). Cytogenetic location: 12q24.33.
Variant type: single nucleotide variant.
Coding change: c.4374G>T on transcript NM_006231.4 (MANE Select); coding-DNA position 4374, G replaced by T.
Protein change: p.Trp1458Cys; replaces tryptophan 1458 with cysteine.
Molecular consequence: missense variant.
Genome position (GRCh38, 1-based): chr12:132,643,477, C>A on the plus strand (G>T on the coding strand, the complement: POLE is on the minus strand). VCF-style: chr12-132643477-C-A. GRCh37 (hg19) VCF-style: chr12-133220063-C-A.
Other names: short protein forms W1458C.
Identifiers: ClinVar variation 1003679 (VCV001003679.12), dbSNP rs747449574, ClinGen allele CA387381231.
Genomic context (GRCh38, chr12:132,643,477, plus strand): 5'-GTAGCTGAACTGGGCCAGAGAGCGCATCTCCAGGTGCTCAAGAGCAAAGGTCTCTGCTTC[C>A]CAGCCTGAAAGGTGCCTCACCAGCTGTTTATTGACCACACACACACAGCCCAGGTGCACC-3'
Protein context (NP_006222.2, residues 1448-1468): NKQLVRHLSG[Trp1458Cys]EAETFALEHL

ClinVar aggregate classification (germline): Conflicting classifications of pathogenicity. Review status: criteria provided, conflicting classifications (1 of 4 stars). 2 submissions from 2 submitters: Uncertain significance (1); Likely benign (1). Last evaluated 2025-12-09.

Conditions:
Hereditary cancer-predisposing syndrome. Also called: Hereditary neoplastic syndrome; Neoplastic Syndromes, Hereditary; Tumor predisposition; Hereditary Cancer Syndrome. Identifiers: Orphanet 140162, MedGen C0027672, MeSH D009386, MONDO:0015356.

Submissions (2):

Labcorp Genetics (formerly Invitae), Labcorp
Classification: Uncertain significance. Last evaluated: 2025-12-09. Review status: criteria provided, single submitter. Criteria: Invitae Variant Classification Sherloc (09022015). Collection method: clinical testing. Allele origin: germline.
Comment: This sequence change replaces tryptophan, which is neutral and slightly polar, with cysteine, which is neutral and slightly polar, at codon 1458 of the POLE protein (p.Trp1458Cys). This variant is not present in population databases (gnomAD no frequency). This variant has not been reported in the literature in individuals affected with POLE-related conditions. ClinVar contains an entry for this variant (Variation ID: 1003679). Invitae Evidence Modeling of protein sequence and biophysical properties (such as structural, functional, and spatial information, amino acid conservation, physicochemical variation, residue mobility, and thermodynamic stability) indicates that this missense variant is not expected to disrupt POLE protein function with a negative predictive value of 80%. In summary, the available evidence is currently insufficient to determine the role of this variant in disease. Therefore, it has been classified as a Variant of Uncertain Significance.

Ambry Genetics
Classification: Likely benign for Hereditary cancer-predisposing syndrome. Last evaluated: 2025-01-17. Review status: criteria provided, single submitter. Criteria: Ambry Variant Classification Scheme 2023. Collection method: clinical testing. Allele origin: germline.